The following is an entry in ClinVar:

NM_005422.4(TECTA):c.2295G>T (p.Trp765Cys)

Genes: TBCEL-TECTA (TBCEL-TECTA readthrough; plus strand), TECTA (tectorin alpha; plus strand). Cytogenetic location: 11q23.3.
Variant type: single nucleotide variant.
Coding change: c.2295G>T on transcript NM_005422.4 (MANE Select); coding-DNA position 2295, G replaced by T.
Protein change: p.Trp765Cys; replaces tryptophan 765 with cysteine.
Molecular consequence: missense variant.
Genome position (GRCh38, 1-based): chr11:121,128,272, G>T. VCF-style: chr11-121128272-G-T. GRCh37 (hg19) VCF-style: chr11-120998981-G-T.
Other names: c.3252G>T, p.Trp1084Cys (NM_001378761.1); short protein forms W765C, W1084C.
Identifiers: ClinVar variation 4182181 (VCV004182181.2).

ClinVar aggregate classification (germline): Uncertain significance. Review status: criteria provided, multiple submitters, no conflicts (2 of 4 stars). 2 submissions from 2 submitters: Uncertain significance (2). Last evaluated 2025-12-10.

Conditions:
Inborn genetic diseases. Identifiers: MedGen C0950123, MeSH D030342.

Submissions (2):

Labcorp Genetics (formerly Invitae), Labcorp
Classification: Uncertain significance. Last evaluated: 2025-12-10. Review status: criteria provided, single submitter. Criteria: Invitae Variant Classification Sherloc (09022015). Collection method: clinical testing. Allele origin: germline.
Comment: This sequence change replaces tryptophan, which is neutral and slightly polar, with cysteine, which is neutral and slightly polar, at codon 765 of the TECTA protein (p.Trp765Cys). This variant is not present in population databases (gnomAD no frequency). This variant has not been reported in the literature in individuals affected with TECTA-related conditions. ClinVar contains an entry for this variant (Variation ID: 4182181). Invitae Evidence Modeling of protein sequence and biophysical properties (such as structural, functional, and spatial information, amino acid conservation, physicochemical variation, residue mobility, and thermodynamic stability) indicates that this missense variant is not expected to disrupt TECTA protein function with a negative predictive value of 95%. In summary, the available evidence is currently insufficient to determine the role of this variant in disease. Therefore, it has been classified as a Variant of Uncertain Significance.

Ambry Genetics
Classification: Uncertain significance for Inborn genetic diseases. Last evaluated: 2025-08-11. Review status: criteria provided, single submitter. Criteria: Ambry Variant Classification Scheme 2023. Collection method: clinical testing. Allele origin: germline.